The following is an entry in ClinVar:

ClinVar aggregate classification (germline): Pathogenic. Review status: criteria provided, single submitter (1 of 4 stars). 2 submissions from 2 submitters: Pathogenic (1). 1 of the submissions does not count toward it. Last evaluated 2024-05-07.

Conditions:
Tuberous sclerosis syndrome (TSC). Also called: Tuberous Sclerosis Complex; Tuberous sclerosis. Identifiers: Orphanet 805, MedGen C0041341, MONDO:0001734.

Submissions (2):

Dasa
Classification: Pathogenic for Tuberous sclerosis syndrome. Last evaluated: 2024-05-07. Review status: criteria provided, single submitter. Criteria: DASA Assertion Criteria. Collection method: clinical testing. Allele origin: germline.
Comment: NM_000548.5(TSC2):c.3028C>T (p.Gln1010*) introduces a premature stop codon predicted to result in loss of normal protein function. Loss-of-function is an established mechanism of disease for this gene, with reports in individuals with tuberous sclerosis complex (PMID: 15236319). Based on the available data, this variant is classified as pathogenic.

Tuberous sclerosis database (TSC2)
No classification provided. Condition: TSC. Review status: no classification provided. Criteria: Tuberous Sclerosis Database Assertion Criteria 2015. Collection method: curation. Allele origin: germline. Affected: yes. Not counted in ClinVar's aggregate classification.

Literature cited by the submitters: PubMed 15236319 (cited by Dasa); PubMed 28498973 (cited by Dasa).

NM_000548.5(TSC2):c.3028C>T (p.Gln1010Ter)

Gene: TSC2 (TSC complex subunit 2; plus strand). Cytogenetic location: 16p13.3.
Variant type: single nucleotide variant.
Coding change: c.3028C>T on transcript NM_000548.5 (MANE Select); coding-DNA position 3028, C replaced by T.
Protein change: p.Gln1010Ter; replaces glutamine 1010 with a stop codon.
Molecular consequence: nonsense.
Genome position (GRCh38, 1-based): chr16:2,079,093, C>T. VCF-style: chr16-2079093-C-T. GRCh37 (hg19) VCF-style: chr16-2129094-C-T.
Other names: c.2896C>T, p.Gln966Ter (NM_001077183.3, NM_001370404.1); c.3028C>T, p.Gln1010Ter (NM_001114382.3); c.2788C>T, p.Gln930Ter (NM_001318827.2); c.2752C>T, p.Gln918Ter (NM_001318829.2); c.2296C>T, p.Gln766Ter (NM_001318831.2); c.2929C>T, p.Gln977Ter (NM_001318832.2); c.2899C>T, p.Gln967Ter (NM_001363528.2, NM_001370405.1, NM_021055.3); short protein forms Q1010*, Q766*, Q966*, Q967*, Q918*, Q930*, Q977*.
Identifiers: ClinVar variation 49545 (VCV000049545.3), dbSNP rs45514100, ClinGen allele CA018430.